The following is an entry in ClinVar:

NR_023317.1(RNU7-1):n.1C>T

Genes: C12orf57 (chromosome 12 open reading frame 57; plus strand), RNU7-1 (RNA, U7 small nuclear 1; plus strand). Cytogenetic location: 12p13.31.
Variant type: single nucleotide variant.
Molecular consequence: non-coding transcript variant (on NR_023317.1). On other transcripts: intron variant (2).
Genome position: GRCh38 VCF-style: chr12-6943816-C-T. GRCh37 (hg19) VCF-style: chr12-7052979-C-T.
Other names: c.13+154C>T (NM_001301836.2); c.-16+154C>T (NM_001301834.1).
Identifiers: ClinVar variation 3380084 (VCV003380084.7).

ClinVar aggregate classification (germline): Likely benign. Review status: criteria provided, multiple submitters, no conflicts (2 of 4 stars). 2 submissions from 2 submitters: Likely benign (2). Last evaluated 2026-07-01.

gnomAD v4.1: 1,143 of 833,580 alleles (0.14%); highest among the groups gnomAD compares: African/African-American, 0.73%; 2 homozygotes.

Submissions (2):

CeGaT Center for Human Genetics Tuebingen
Classification: Likely benign. Last evaluated: 2026-07-01. Review status: criteria provided, single submitter. Criteria: CeGaT Center For Human Genetics Tuebingen Variant Classification Criteria Version 2. Collection method: clinical testing. Allele origin: germline. Affected: yes. Observed: 2 variant alleles.
Comment: RNU7-1: BS2

Mayo Clinic Laboratories, Mayo Clinic
Classification: Likely benign. Last evaluated: 2025-08-13. Review status: criteria provided, single submitter. Criteria: ACMG Guidelines, 2015. Collection method: clinical testing. Allele origin: germline. Observed: 4 variant alleles.
Comment: BS1, BP4